The following is an entry in ClinVar:

NM_001023.4(RPS20):c.4-9T>C

Gene: RPS20 (ribosomal protein S20; minus strand). Cytogenetic location: 8q12.1.
Variant type: single nucleotide variant.
Coding change: c.4-9T>C on transcript NM_001023.4 (MANE Select); 9 bases into the intron before coding-DNA position 4, T replaced by C.
Molecular consequence: intron variant.
Genome position (GRCh38, 1-based): chr8:56,074,168, A>G on the plus strand (T>C on the coding strand, the complement: RPS20 is on the minus strand). VCF-style: chr8-56074168-A-G. GRCh37 (hg19) VCF-style: chr8-56986727-A-G.
Other names: c.4-9T>C (NM_001146227.3).
Identifiers: ClinVar variation 5042341 (VCV005042341.1).

ClinVar aggregate classification (germline): Likely benign (1 of 4 stars; one submission).

Conditions:
Familial colorectal cancer type X. Identifiers: Orphanet 440437, MedGen C3896578, MONDO:0018604.

Submission:

Myriad Genetics, Inc.
Classification: Likely benign for Familial colorectal cancer type X. Last evaluated: 2026-07-31. Review status: criteria provided, single submitter. Criteria: Myriad Autosomal Dominant, Autosomal Recessive and X-Linked Classification Criteria (2023). Collection method: clinical testing. Allele origin: unknown.
Comment: This variant is considered likely benign. This variant is intronic and is not expected to impact mRNA splicing.